The following is an entry in ClinVar:

ClinVar aggregate classification (germline): Likely benign (1 of 4 stars; one submission).

gnomAD v4.1: 2 of 1,197,019 alleles (0.00017%); highest among the groups gnomAD compares: East Asian, 0.003%; no homozygotes.

Submission:

CeGaT Center for Human Genetics Tuebingen
Classification: Likely benign. Last evaluated: 2026-01-01. Review status: criteria provided, single submitter. Criteria: CeGaT Center For Human Genetics Tuebingen Variant Classification Criteria Version 2. Collection method: clinical testing. Allele origin: germline. Affected: yes. Observed: 1 variant allele.
Comment: MED12: BP4, BP7

NM_005120.3(MED12):c.6186G>A (p.Gln2062=)

Gene: MED12 (mediator complex subunit 12; plus strand). Cytogenetic location: Xq13.1.
Variant type: single nucleotide variant.
Coding change: c.6186G>A on transcript NM_005120.3 (MANE Select); coding-DNA position 6186, G replaced by A.
Protein change: p.Gln2062=; no amino-acid change (glutamine 2062 retained).
Molecular consequence: synonymous variant.
Genome position (GRCh38, 1-based): chrX:71,140,776, G>A. VCF-style: chrX-71140776-G-A. GRCh37 (hg19) VCF-style: chrX-70360626-G-A.
Identifiers: ClinVar variation 4820690 (VCV004820690.4).